The following is an entry in ClinVar:

ClinVar aggregate classification (germline): Uncertain significance (1 of 4 stars; one submission).

Allele frequency attached by ClinVar (database versions not stated): gnomAD exomes 0.00001; TOPMed 0.00001.

Submission:

Labcorp Genetics (formerly Invitae), Labcorp
Classification: Uncertain significance. Last evaluated: 2022-11-09. Review status: criteria provided, single submitter. Criteria: Invitae Variant Classification Sherloc (09022015). Collection method: clinical testing. Allele origin: germline.
Comment: In summary, the available evidence is currently insufficient to determine the role of this variant in disease. Therefore, it has been classified as a Variant of Uncertain Significance. Algorithms developed to predict the effect of missense changes on protein structure and function (SIFT, PolyPhen-2, Align-GVGD) all suggest that this variant is likely to be disruptive. This variant has not been reported in the literature in individuals affected with CYP7A1-related conditions. This variant is present in population databases (no rsID available, gnomAD 0.009%). This sequence change replaces leucine, which is neutral and non-polar, with serine, which is neutral and polar, at codon 319 of the CYP7A1 protein (p.Leu319Ser).

NM_000780.4(CYP7A1):c.956T>C (p.Leu319Ser)

Gene: CYP7A1 (cytochrome P450 family 7 subfamily A member 1; minus strand). Cytogenetic location: 8q12.1.
Variant type: single nucleotide variant.
Coding change: c.956T>C on transcript NM_000780.4 (MANE Select); coding-DNA position 956, T replaced by C.
Protein change: p.Leu319Ser; replaces leucine 319 with serine.
Molecular consequence: missense variant.
Genome position (GRCh38, 1-based): chr8:58,494,589, A>G on the plus strand (T>C on the coding strand, the complement: CYP7A1 is on the minus strand). VCF-style: chr8-58494589-A-G. GRCh37 (hg19) VCF-style: chr8-59407148-A-G.
Other names: short protein forms L319S.
Identifiers: ClinVar variation 3016971 (VCV003016971.3), dbSNP rs1445792240, ClinGen allele CA371292428.